The following is an entry in ClinVar:

ClinVar aggregate classification (germline): Uncertain significance (1 of 4 stars; one submission).

gnomAD v4.1: 15 of 1,578,420 alleles (0.00095%); highest among the groups gnomAD compares: Non-Finnish European, 0.0011%; no homozygotes.

Submission:

CeGaT Center for Human Genetics Tuebingen
Classification: Uncertain significance. Last evaluated: 2026-05-01. Review status: criteria provided, single submitter. Criteria: CeGaT Center For Human Genetics Tuebingen Variant Classification Criteria Version 2. Collection method: clinical testing. Allele origin: germline. Affected: yes. Observed: 1 variant allele.
Comment: IFIH1: PM2, PP3

NM_022168.4(IFIH1):c.1096-10T>G

Gene: IFIH1 (interferon induced with helicase C domain 1; minus strand). Cytogenetic location: 2q24.2.
Variant type: single nucleotide variant.
Coding change: c.1096-10T>G on transcript NM_022168.4 (MANE Select); 10 bases into the intron before coding-DNA position 1096, T replaced by G.
Molecular consequence: intron variant.
Genome position (GRCh38, 1-based): chr2:162,282,586, A>C on the plus strand (T>G on the coding strand, the complement: IFIH1 is on the minus strand). VCF-style: chr2-162282586-A-C. GRCh37 (hg19) VCF-style: chr2-163139096-A-C.
Identifiers: ClinVar variation 4874204 (VCV004874204.2).